The following is an entry in ClinVar:

NM_016247.4(IMPG2):c.1357A>C (p.Ser453Arg)

Gene: IMPG2 (interphotoreceptor matrix proteoglycan 2; minus strand). Cytogenetic location: 3q12.3.
Variant type: single nucleotide variant.
Coding change: c.1357A>C on transcript NM_016247.4 (MANE Select); coding-DNA position 1357, A replaced by C.
Protein change: p.Ser453Arg; replaces serine 453 with arginine.
Molecular consequence: missense variant.
Genome position (GRCh38, 1-based): chr3:101,245,988, T>G on the plus strand (A>C on the coding strand, the complement: IMPG2 is on the minus strand). VCF-style: chr3-101245988-T-G. GRCh37 (hg19) VCF-style: chr3-100964832-T-G.
Other names: short protein forms S453R.
Identifiers: ClinVar variation 1051234 (VCV001051234.8), dbSNP rs752173755, ClinGen allele CA2519182.

ClinVar aggregate classification (germline): Uncertain significance. Review status: criteria provided, multiple submitters, no conflicts (2 of 4 stars). 2 submissions from 2 submitters: Uncertain significance (2). Last evaluated 2021-06-04.

gnomAD v4.1: 11 of 1,614,148 alleles (0.00068%); highest among the groups gnomAD compares: Middle Eastern, 0.066%; no homozygotes.

Submissions (2):

Blueprint Genetics
Classification: Uncertain significance. Last evaluated: 2021-06-04. Review status: criteria provided, single submitter. Criteria: ACMG Guidelines, 2015. Collection method: clinical testing. Allele origin: germline.

Labcorp Genetics (formerly Invitae), Labcorp
Classification: Uncertain significance. Last evaluated: 2020-07-21. Review status: criteria provided, single submitter. Criteria: Invitae Variant Classification Sherloc (09022015). Collection method: clinical testing. Allele origin: germline.
Comment: This variant is present in population databases (rs752173755, ExAC 0.006%). This variant has not been reported in the literature in individuals with IMPG2-related conditions. In summary, the available evidence is currently insufficient to determine the role of this variant in disease. Therefore, it has been classified as a Variant of Uncertain Significance. Algorithms developed to predict the effect of missense changes on protein structure and function output the following: SIFT: "Deleterious"; PolyPhen-2: "Benign"; Align-GVGD: "Class C15". The arginine amino acid residue is found in multiple mammalian species, suggesting that this missense change does not adversely affect protein function. These predictions have not been confirmed by published functional studies and their clinical significance is uncertain. This sequence change replaces serine with arginine at codon 453 of the IMPG2 protein (p.Ser453Arg). The serine residue is highly conserved and there is a moderate physicochemical difference between serine and arginine.